The following is an entry in ClinVar:

NM_005045.4(RELN):c.5305C>T (p.Pro1769Ser)

Gene: RELN (reelin; minus strand). Cytogenetic location: 7q22.1.
Variant type: single nucleotide variant.
Coding change: c.5305C>T on transcript NM_005045.4 (MANE Select); coding-DNA position 5305, C replaced by T.
Protein change: p.Pro1769Ser; replaces proline 1769 with serine.
Molecular consequence: missense variant.
Genome position (GRCh38, 1-based): chr7:103,561,859, G>A on the plus strand (C>T on the coding strand, the complement: RELN is on the minus strand). VCF-style: chr7-103561859-G-A. GRCh37 (hg19) VCF-style: chr7-103202306-G-A.
Other names: c.5305C>T (NM_005045.3); c.5305C>T, p.Pro1769Ser (NM_173054.3); short protein forms P1769S.
Identifiers: ClinVar variation 2142950 (VCV002142950.5), dbSNP rs1487350131, ClinGen allele CA368744432.

ClinVar aggregate classification (germline): Uncertain significance. Review status: criteria provided, multiple submitters, no conflicts (2 of 4 stars). 2 submissions from 2 submitters: Uncertain significance (2). Last evaluated 2025-06-03.

Conditions:
Familial temporal lobe epilepsy 7. Identifiers: Orphanet 101046, MedGen C4225327, MONDO:0014639, OMIM 616436.
Norman-Roberts syndrome (LIS2). Also called: Lissencephaly 2 (Norman-Roberts type). Identifiers: Orphanet 89844, MedGen C0796089, MONDO:0009760, OMIM 257320.

Allele frequency attached by ClinVar (database versions not stated): gnomAD exomes 0.00001.
gnomAD v4.1: 4 of 1,613,346 alleles (0.00025%); highest among the groups gnomAD compares: South Asian, 0.0022%; no homozygotes.

Submissions (2):

GeneDx
Classification: Uncertain significance. Last evaluated: 2025-06-03. Review status: criteria provided, single submitter. Criteria: GeneDx Variant Classification Process June 2021. Collection method: clinical testing. Allele origin: germline. Affected: yes.
Comment: Not observed at significant frequency in large population cohorts (gnomAD); In silico analysis supports that this missense variant has a deleterious effect on protein structure/function; Has not been previously published as pathogenic or benign to our knowledge

Labcorp Genetics (formerly Invitae), Labcorp
Classification: Uncertain significance for Familial temporal lobe epilepsy 7; Norman-Roberts syndrome. Last evaluated: 2025-02-26. Review status: criteria provided, single submitter. Criteria: Invitae Variant Classification Sherloc (09022015). Collection method: clinical testing. Allele origin: germline.
Comment: This sequence change replaces proline, which is neutral and non-polar, with serine, which is neutral and polar, at codon 1769 of the RELN protein (p.Pro1769Ser). This variant is present in population databases (no rsID available, gnomAD 0.003%). This variant has not been reported in the literature in individuals affected with RELN-related conditions. ClinVar contains an entry for this variant (Variation ID: 2142950). Invitae Evidence Modeling of protein sequence and biophysical properties (such as structural, functional, and spatial information, amino acid conservation, physicochemical variation, residue mobility, and thermodynamic stability) indicates that this missense variant is not expected to disrupt RELN protein function with a negative predictive value of 80%. In summary, the available evidence is currently insufficient to determine the role of this variant in disease. Therefore, it has been classified as a Variant of Uncertain Significance.